The following is an entry in ClinVar:

ClinVar aggregate classification (germline): Pathogenic (1 of 4 stars; one submission).

Conditions:
Hereditary cancer-predisposing syndrome. Also called: Tumor predisposition; Hereditary neoplastic syndrome; Hereditary Cancer Syndrome; Neoplastic Syndromes, Hereditary. Identifiers: Orphanet 140162, MedGen C0027672, MeSH D009386, MONDO:0015356.

Submission:

Ambry Genetics
Classification: Pathogenic for Hereditary cancer-predisposing syndrome. Last evaluated: 2025-04-11. Review status: criteria provided, single submitter. Criteria: Ambry Variant Classification Scheme 2023. Collection method: clinical testing. Allele origin: germline.
Comment: The p.Y1181* pathogenic mutation (also known as c.3543T>A), located in coding exon 21 of the PTCH1 gene, results from a T to A substitution at nucleotide position 3543. This changes the amino acid from a tyrosine to a stop codon within coding exon 21. This variant is considered to be rare based on population cohorts in the Genome Aggregation Database (gnomAD). This alteration is expected to result in loss of function by premature protein truncation or nonsense-mediated mRNA decay. As such, this alteration is interpreted as a disease-causing mutation.

NM_000264.5(PTCH1):c.3543T>A (p.Tyr1181Ter)

Gene: PTCH1 (patched 1; minus strand). Cytogenetic location: 9q22.32.
Variant type: single nucleotide variant.
Coding change: c.3543T>A on transcript NM_000264.5 (MANE Select); coding-DNA position 3543, T replaced by A.
Protein change: p.Tyr1181Ter; replaces tyrosine 1181 with a stop codon.
Molecular consequence: nonsense. On other transcripts: non-coding transcript variant (1).
Genome position (GRCh38, 1-based): chr9:95,449,847, A>T on the plus strand (T>A on the coding strand, the complement: PTCH1 is on the minus strand). VCF-style: chr9-95449847-A-T. GRCh37 (hg19) VCF-style: chr9-98212129-A-T.
Other names: c.3345T>A, p.Tyr1115Ter (NM_001083602.3); c.3540T>A, p.Tyr1180Ter (NM_001083603.3); c.3090T>A, p.Tyr1030Ter (NM_001083604.3, NM_001083605.3, NM_001083606.3 and 1 more transcripts); c.3387T>A, p.Tyr1129Ter (NM_001354918.2); short protein forms Y1129*, Y1180*, Y1181*, Y1115*, Y1030*.
Identifiers: ClinVar variation 3939941 (VCV003939941.1).